The following is an entry in ClinVar:

ClinVar aggregate classification (germline): Conflicting classifications of pathogenicity. Review status: criteria provided, conflicting classifications (1 of 4 stars). 7 submissions from 7 submitters: Uncertain significance (1); Benign (4); Likely benign (2). Last evaluated 2026-01-24.

Conditions:
Familial thoracic aortic aneurysm and aortic dissection (TAAD). Also called: Thoracic aortic aneurysms and dissections. Identifiers: Orphanet 91387, MedGen C4707243, MONDO:0019625.
Aortic aneurysm, familial thoracic 4 (AAT4). Also called: AORTIC ANEURYSM/AORTIC DISSECTION AND PATENT DUCTUS ARTERIOSUS. Identifiers: MedGen C1851504, MONDO:0007568, OMIM 132900.

Allele frequency attached by ClinVar (database versions not stated): ESP Exome Variant Server 0.00008; TOPMed 0.00015; 1000 Genomes Project 30x 0.00016; gnomAD 0.00017 and 0.00019; 1000 Genomes Project 0.00020; gnomAD exomes 0.00033; ExAC 0.00045.
gnomAD v4.1: 207 of 1,549,502 alleles (0.013%); highest among the groups gnomAD compares: African/African-American, 0.0081%; 1 homozygote.

Submissions (7):

Labcorp Genetics (formerly Invitae), Labcorp
Classification: Benign for Aortic aneurysm, familial thoracic 4. Last evaluated: 2026-01-24. Review status: criteria provided, single submitter. Criteria: Invitae Variant Classification Sherloc (09022015). Collection method: clinical testing. Allele origin: germline.

Blueprint Genetics
Classification: Likely benign. Last evaluated: 2024-06-26. Review status: criteria provided, single submitter. Criteria: ACMG Guidelines, 2015. Collection method: clinical testing. Allele origin: germline.

All of Us Research Program, National Institutes of Health
Classification: Benign for Familial thoracic aortic aneurysm and aortic dissection. Last evaluated: 2024-02-05. Review status: criteria provided, single submitter. Criteria: ACMG Guidelines, 2015. Collection method: clinical testing. Allele origin: germline. Inheritance: Autosomal dominant inheritance. Observed: 55 variant alleles, 55 heterozygotes.
Comment: This study involves interpretation of variants in research participants for the purpose of population health screening. Participant phenotype was not available at the time of variant classification. Additional details can be found in publication PMID: 35346344, PMCID: PMC8962531

Color Diagnostics, LLC DBA Color Health
Classification: Benign for Familial thoracic aortic aneurysm and aortic dissection. Last evaluated: 2018-04-16. Review status: criteria provided, single submitter. Criteria: ACMG Guidelines, 2015. Collection method: clinical testing. Allele origin: germline.

Illumina Laboratory Services, Illumina
Classification: Uncertain significance for Aortic aneurysm, familial thoracic 4. Last evaluated: 2018-01-13. Review status: criteria provided, single submitter. Criteria: ICSL Variant Classification Criteria 13 December 2019. Collection method: clinical testing. Allele origin: germline.

Laboratory for Molecular Medicine, Mass General Brigham Personalized Medicine
Classification: Likely benign. Last evaluated: 2015-07-14. Review status: criteria provided, single submitter. Criteria: LMM Criteria. Collection method: clinical testing. Allele origin: germline. Observed: 1 variant allele.
Comment: c.5193-13G>A in intron 37 of MYH11: This variant is not expected to have clinica l significance because it is not located within the splice consensus sequence. I t has been identified in 0.1% (11/11814) of European chromosomes by the Exome Ag gregation Consortium (ExAC; dbSNP rs373378619).

GeneDx
Classification: Benign. Last evaluated: 2014-11-11. Review status: criteria provided, single submitter. Criteria: GeneDx Variant Classification (06012015). Collection method: clinical testing. Allele origin: germline. Affected: yes.
Comment: This variant is considered likely benign or benign based on one or more of the following criteria: it is a conservative change, it occurs at a poorly conserved position in the protein, it is predicted to be benign by multiple in silico algorithms, and/or has population frequency not consistent with disease.

NM_002474.3(MYH11):c.5172-13G>A

Genes: MYH11 (myosin heavy chain 11; minus strand), NDE1 (nudE neurodevelopment protein 1; plus strand). Cytogenetic location: 16p13.11.
Variant type: single nucleotide variant.
Coding change: c.5172-13G>A on transcript NM_002474.3 (MANE Select); 13 bases into the intron before coding-DNA position 5172, G replaced by A.
Molecular consequence: intron variant.
Genome position (GRCh38, 1-based): chr16:15,718,451, C>T on the plus strand (G>A on the coding strand, the complement: MYH11 is on the minus strand). VCF-style: chr16-15718451-C-T. GRCh37 (hg19) VCF-style: chr16-15812308-C-T.
Other names: c.948-5740C>T (NM_001143979.2, NM_017668.3); c.5172-13G>A (NM_022844.3); c.5193-13G>A (NM_001040114.2, NM_001040113.2).
Identifiers: ClinVar variation 201036 (VCV000201036.20), dbSNP rs373378619, ClinGen allele CA306463.
Genomic context (GRCh38, chr16:15,718,451, plus strand): 5'-TGGGCGATCCGGGCCTCCAGGCGGCGCTTCTCGTCCTGGAGTGCGTTCCTGGGGGAAGGG[C>T]GGCCATGGTGGGGGCCTCTACCCTCCCCCGCCTTAAAAGATGCCCCCTCCTTGGAGTCAT-3'